The following is an entry in ClinVar:

ClinVar aggregate classification (germline): Uncertain significance (1 of 4 stars; one submission).

Conditions:
Atrial fibrillation, familial, 18 (ATFB18). Identifiers: MedGen C4310636, MONDO:0015001, OMIM 617280.

Submission:

Labcorp Genetics (formerly Invitae), Labcorp
Classification: Uncertain significance for Atrial fibrillation, familial, 18. Last evaluated: 2022-05-27. Review status: criteria provided, single submitter. Criteria: Invitae Variant Classification Sherloc (09022015). Collection method: clinical testing. Allele origin: germline.
Comment: In summary, the available evidence is currently insufficient to determine the role of this variant in disease. Therefore, it has been classified as a Variant of Uncertain Significance. Experimental studies and prediction algorithms are not available or were not evaluated, and the functional significance of this variant is currently unknown. This variant has not been reported in the literature in individuals affected with MYL4-related conditions. This variant is present in population databases (rs763415247, gnomAD 0.0009%). This variant, c.54_65del, results in the deletion of 4 amino acid(s) of the MYL4 protein (p.Ala28_Pro31del), but otherwise preserves the integrity of the reading frame.

NM_002476.2(MYL4):c.48TCCAGC[1] (p.16AP[6])

Gene: MYL4 (myosin light chain 4; plus strand). Cytogenetic location: 17q21.32.
Variant type: Microsatellite.
Coding change: c.48TCCAGC[1] on transcript NM_002476.2 (MANE Select); one copy of the 6-base unit TCCAGC starting at c.48; the reference has three copies in a row; two copies, 12 bases deleted.
Protein change: p.16AP[6].
Molecular consequence: inframe deletion.
Genome position (GRCh38, 1-based): chr17:47,209,476-47,209,487, TCCAGCTCCAGC deleted; deleting any 12 consecutive bases within chr17:47,209,465-47,209,487 gives the same sequence; the position shown is the placement nearest the transcript's 3' end. VCF-style (leftmost placement, unchanged base first): chr17-47209464-GCCAGCTCCAGCT-G. GRCh37 (hg19) VCF-style: chr17-45286830-GCCAGCTCCAGCT-G.
Other names: c.48TCCAGC[1], p.16AP[6] (NM_001002841.2).
Identifiers: ClinVar variation 1945778 (VCV001945778.5), dbSNP rs763415247, ClinGen allele CA8622553.